The following is an entry in ClinVar:

NM_007194.4(CHEK2):c.1055A>G (p.Asn352Ser)

Gene: CHEK2 (checkpoint kinase 2; minus strand). Cytogenetic location: 22q12.1.
Variant type: single nucleotide variant.
Coding change: c.1055A>G on transcript NM_007194.4 (MANE Select); coding-DNA position 1055, A replaced by G.
Protein change: p.Asn352Ser; replaces asparagine 352 with serine.
Molecular consequence: missense variant. On other transcripts: intron variant (3).
Genome position (GRCh38, 1-based): chr22:28,696,941, T>C on the plus strand (A>G on the coding strand, the complement: CHEK2 is on the minus strand). VCF-style: chr22-28696941-T-C. GRCh37 (hg19) VCF-style: chr22-29092929-T-C.
Other names: c.854A>G, p.Asn285Ser (NM_001349956.3); c.392A>G, p.Asn131Ser (NM_001437942.1, NM_001257387.3); c.1148A>G, p.Asn383Ser (NM_001438293.1); c.1009-1068A>G (NM_145862.3); c.1102-1068A>G (NM_001438295.1); c.1138-1068A>G (NM_001438294.1); c.1184A>G, p.Asn395Ser (NM_001005735.3); short protein forms N352S, N395S, N131S, N285S, N383S.
Identifiers: ClinVar variation 489871 (VCV000489871.19), dbSNP rs764181318, ClinGen allele CA10167739.

ClinVar aggregate classification (germline): Uncertain significance. Review status: criteria provided, multiple submitters, no conflicts (2 of 4 stars). 6 submissions from 6 submitters: Uncertain significance (6). Last evaluated 2025-05-21.

Conditions:
Hereditary cancer-predisposing syndrome. Also called: Hereditary Cancer Syndrome; Neoplastic Syndromes, Hereditary; Tumor predisposition; Hereditary neoplastic syndrome. Identifiers: Orphanet 140162, MedGen C0027672, MeSH D009386, MONDO:0015356.
Familial cancer of breast. Also called: Hereditary breast cancer; BREAST CANCER, FAMILIAL; hereditary breast carcinoma. Identifiers: Orphanet 227535, MedGen C0346153, MONDO:0016419, OMIM 114480. Disease mechanism: loss of function.

Allele frequency attached by ClinVar (database versions not stated): gnomAD exomes below 0.00001; ExAC 0.00001.
gnomAD v4.1: 2 of 1,613,612 alleles (0.00012%); highest among the groups gnomAD compares: Non-Finnish European, 0.00017%; no homozygotes.

Submissions (6):

Labcorp Genetics (formerly Invitae), Labcorp
Classification: Uncertain significance for Familial cancer of breast. Last evaluated: 2025-05-21. Review status: criteria provided, single submitter. Criteria: Invitae Variant Classification Sherloc (09022015). Collection method: clinical testing. Allele origin: germline.
Comment: This sequence change replaces asparagine, which is neutral and polar, with serine, which is neutral and polar, at codon 352 of the CHEK2 protein (p.Asn352Ser). This variant is present in population databases (rs764181318, gnomAD 0.0009%). This missense change has been observed in individual(s) with clinical features of hereditary breast and/or ovarian cancer (PMID: 31742824). ClinVar contains an entry for this variant (Variation ID: 489871). An algorithm developed to predict the effect of missense changes on protein structure and function (PolyPhen-2) suggests that this variant is likely to be disruptive. In summary, the available evidence is currently insufficient to determine the role of this variant in disease. Therefore, it has been classified as a Variant of Uncertain Significance.

Molecular Diagnostics Laboratory, Catalan Institute of Oncology
Classification: Uncertain significance for Hereditary cancer-predisposing syndrome. Last evaluated: 2025-01-07. Review status: criteria provided, single submitter. Criteria: ACMG Guidelines, 2015. Collection method: clinical testing. Allele origin: germline.
Comment: PM2_Supporting, PP3_Moderate, c.1055A>G, located in exon 10 of the CHEK2 gene, is predicted to result in the substitution of asparagine by serine at codon 352, p.(Asn352Ser). This is a not strongly conserved amino acid in a functionally relevant domain. This variant is found in 1/268184 alleles at a frequency of 0,0003% in the gnomAD v2.1.1 database, non-cancer dataset (PM2_supporting). The SpliceAI algorithm predicts no significant impact on splicing. The REVEL meta-predictor score for this variant (0.89) suggests a deleterious effect on protein function according to Pejaver 2022 thresholds (PMID: 36413997) (PP3_Moderate). To our knowledge, neither relevant clinical data nor well-established functional studies have been reported for this variant. In a case-control study, it was reported in 1 out of 53,461 healthy controls and none of the 60,466 breast cancer cases (PMID:33471991). This variant has been reported in the ClinVar database (3x uncertain significance), and has not been classified in the LOVD. Based on currently available information, the variant c.1055A>G should be considered an uncertain significance variant, according to ACMG/AMP classification guidelines.

GeneDx
Classification: Uncertain significance. Last evaluated: 2024-12-05. Review status: criteria provided, single submitter. Criteria: GeneDx Variant Classification Process June 2021. Collection method: clinical testing. Allele origin: germline. Affected: yes.
Comment: Not observed at significant frequency in large population cohorts (gnomAD); In silico analysis supports that this missense variant has a deleterious effect on protein structure/function; Observed in an individual with a personal and/or family history of breast and/or ovarian cancer (PMID: 31742824); This variant is associated with the following publications: (PMID: 22419737, 19782031, 31742824)

Ambry Genetics
Classification: Uncertain significance for Hereditary cancer-predisposing syndrome. Last evaluated: 2023-06-01. Review status: criteria provided, single submitter. Criteria: Ambry Variant Classification Scheme 2023. Collection method: clinical testing. Allele origin: germline.
Comment: The p.N352S variant (also known as c.1055A>G), located in coding exon 9 of the CHEK2 gene, results from an A to G substitution at nucleotide position 1055. The asparagine at codon 352 is replaced by serine, an amino acid with highly similar properties. This variant was identified in a study of 882 Chinese individuals who underwent multi-gene panel testing for HBOC risk assessment (Shao D et al. Cancer Sci, 2020 Feb;111:647-657). This amino acid position is highly conserved in available vertebrate species. In addition, the in silico prediction for this alteration is inconclusive. Since supporting evidence is limited at this time, the clinical significance of this alteration remains unclear.

Women's Health and Genetics/Laboratory Corporation of America, LabCorp
Classification: Uncertain significance. Last evaluated: 2023-03-06. Review status: criteria provided, single submitter. Criteria: LabCorp Variant Classification Summary - May 2015. Collection method: clinical testing. Allele origin: germline.
Comment: Variant summary: CHEK2 c.1055A>G (p.Asn352Ser) results in a conservative amino acid change in the encoded protein sequence. Four of five in-silico tools predict a damaging effect of the variant on protein function. The variant allele was found at a frequency of 4e-06 in 251290 control chromosomes. The available data on variant occurrences in the general population are insufficient to allow any conclusion about variant significance. c.1055A>G has been reported in the literature in individuals affected with HBOC. This report does not provide unequivocal conclusions about association of the variant with Prostate Cancer. To our knowledge, no experimental evidence demonstrating an impact on protein function has been reported. Three clinical diagnostic laboratories have submitted clinical-significance assessments for this variant to ClinVar after 2014 without evidence for independent evaluation. All laboratories classified the variant as uncertain significance. Based on the evidence outlined above, the variant was classified as uncertain significance.

Color Diagnostics, LLC DBA Color Health
Classification: Uncertain significance for Hereditary cancer-predisposing syndrome. Last evaluated: 2021-10-12. Review status: criteria provided, single submitter. Criteria: ACMG Guidelines, 2015. Collection method: clinical testing. Allele origin: germline.
Comment: This missense variant replaces asparagine with serine at codon 352 of the CHEK2 protein. Computational prediction suggests that this variant may have deleterious impact on protein structure and function (internally defined REVEL score threshold >= 0.7, PMID: 27666373). To our knowledge, functional studies have not been reported for this variant. This variant has not been reported in individuals affected with hereditary cancer in the literature. This variant has been identified in 1/251290 chromosomes in the general population by the Genome Aggregation Database (gnomAD). The available evidence is insufficient to determine the role of this variant in disease conclusively. Therefore, this variant is classified as a Variant of Uncertain Significance.

Literature cited by the submitters: PubMed 31742824 (cited by 3 submitters).